The following is an entry in ClinVar:

NM_001999.4(FBN2):c.67G>A (p.Ala23Thr)

Gene: FBN2 (fibrillin 2; minus strand). Cytogenetic location: 5q23.3.
Variant type: single nucleotide variant.
Coding change: c.67G>A on transcript NM_001999.4 (MANE Select); coding-DNA position 67, G replaced by A.
Protein change: p.Ala23Thr; replaces alanine 23 with threonine.
Molecular consequence: missense variant.
Genome position (GRCh38, 1-based): chr5:128,537,537, C>T on the plus strand (G>A on the coding strand, the complement: FBN2 is on the minus strand). VCF-style: chr5-128537537-C-T. GRCh37 (hg19) VCF-style: chr5-127873230-C-T.
Other names: short protein forms A23T.
Identifiers: ClinVar variation 2662940 (VCV002662940.1), dbSNP rs893243344, ClinGen allele CA127059259.
Genomic context (GRCh38, chr5:128,537,537, plus strand): 5'-GCGGCTGGGGCCGGGGCGGCTTGGGCGGAGGAGGCTGAGGCTGGCCGGCCGTGCCCTGCG[C>T]CCAGAGCACCACACAGCCCAGCCACAGGAAGTAGAGCTGGAGACACAGCCTCCGTCTTCT-3'
Protein context (NP_001990.2, residues 13-33): FLWLGCVVLW[Ala23Thr]QGTAGQPQPP

ClinVar aggregate classification (germline): Uncertain significance (1 of 4 stars; one submission).

gnomAD v4.1: 4 of 1,592,518 alleles (0.00025%); highest among the groups gnomAD compares: Admixed American, 0.0052%; no homozygotes.

Submission:

GeneDx
Classification: Uncertain significance. Last evaluated: 2023-11-09. Review status: criteria provided, single submitter. Criteria: GeneDx Variant Classification Process June 2021. Collection method: clinical testing. Allele origin: germline. Affected: yes.
Comment: Has not been previously published as pathogenic or benign to our knowledge; Not observed at significant frequency in large population cohorts (gnomAD); In silico analysis supports that this missense variant does not alter protein structure/function